The following is an entry in ClinVar:

ClinVar aggregate classification (germline): Uncertain significance. Review status: criteria provided, multiple submitters, no conflicts (2 of 4 stars). 2 submissions from 2 submitters: Uncertain significance (2). Last evaluated 2025-12-29.

Conditions:
Brody myopathy. Also called: BRODY DISEASE. Identifiers: Orphanet 53347, MedGen C1832918, MONDO:0010977, OMIM 601003.

gnomAD v4.1: 7 of 1,614,032 alleles (0.00043%); highest among the groups gnomAD compares: Admixed American, 0.0017%; no homozygotes.

Submissions (2):

GeneDx
Classification: Uncertain significance. Last evaluated: 2025-12-29. Review status: criteria provided, single submitter. Criteria: GeneDx Variant Classification Process June 2021. Collection method: clinical testing. Allele origin: germline. Affected: yes.
Comment: Not observed at significant frequency in large population cohorts (gnomAD); In silico analysis supports that this missense variant has a deleterious effect on protein structure/function; Has not been previously published as pathogenic or benign to our knowledge

Labcorp Genetics (formerly Invitae), Labcorp
Classification: Uncertain significance for Brody myopathy. Last evaluated: 2022-04-07. Review status: criteria provided, single submitter. Criteria: Invitae Variant Classification Sherloc (09022015). Collection method: clinical testing. Allele origin: germline.
Comment: In summary, the available evidence is currently insufficient to determine the role of this variant in disease. Therefore, it has been classified as a Variant of Uncertain Significance. This sequence change replaces asparagine, which is neutral and polar, with lysine, which is basic and polar, at codon 280 of the ATP2A1 protein (p.Asn280Lys). This variant is present in population databases (rs145160426, gnomAD 0.006%). This variant has not been reported in the literature in individuals affected with ATP2A1-related conditions. Algorithms developed to predict the effect of missense changes on protein structure and function are either unavailable or do not agree on the potential impact of this missense change (SIFT: "Deleterious"; PolyPhen-2: "Probably Damaging"; Align-GVGD: "Class C0").

NM_004320.6(ATP2A1):c.840C>A (p.Asn280Lys)

Gene: ATP2A1 (ATPase sarcoplasmic/endoplasmic reticulum Ca2+ transporting 1; plus strand). Cytogenetic location: 16p11.2.
Variant type: single nucleotide variant.
Coding change: c.840C>A on transcript NM_004320.6 (MANE Select); coding-DNA position 840, C replaced by A.
Protein change: p.Asn280Lys; replaces asparagine 280 with lysine.
Molecular consequence: missense variant.
Genome position (GRCh38, 1-based): chr16:28,887,634, C>A. VCF-style: chr16-28887634-C-A. GRCh37 (hg19) VCF-style: chr16-28898955-C-A.
Other names: c.465C>A, p.Asn155Lys (NM_001286075.2); c.840C>A, p.Asn280Lys (NM_173201.5); short protein forms N155K, N280K.
Identifiers: ClinVar variation 1424465 (VCV001424465.10), dbSNP rs145160426, ClinGen allele CA7986768.